The following is an entry in ClinVar:

NM_017613.4(DONSON):c.1342del (p.Met448fs)

Gene: DONSON (DNA replication fork stabilization factor DONSON; minus strand). Cytogenetic location: 21q22.11.
Variant type: Deletion.
Coding change: c.1342del on transcript NM_017613.4 (MANE Select); coding-DNA position 1342, one base deleted (A; older notation c.1342delA).
Protein change: p.Met448fs; shifts the reading frame from methionine 448.
Molecular consequence: frameshift variant.
Genome position (GRCh38, 1-based): chr21:33,581,310, T deleted on the plus strand (A on the coding strand, the reverse complement: DONSON is on the minus strand); the first of 3 consecutive T bases (chr21:33,581,310-33,581,312); deleting any one gives the same sequence. VCF-style (leftmost placement, unchanged base first): chr21-33581309-AT-A. GRCh37 (hg19) VCF-style: chr21-34953615-AT-A.
Other names: short protein forms M448fs.
Identifiers: ClinVar variation 3234865 (VCV003234865.1), dbSNP rs2517470416, ClinGen allele CA2654324045.
Genomic context (GRCh38, chr21:33,581,309, plus strand): 5'-TCCTATCAAAGTAAAGTACTTCTTAAAAGCTAGGTTATGCAGACTTTTATTACCTTAAGC[AT>A]TTGCATTGTGGCACCTCGGAAAGCAACAGGGGACAAGAGGGTTGGAGGAAGTCCTGCCTG-3'

ClinVar aggregate classification (germline): Likely pathogenic (1 of 4 stars; one submission).

Conditions:
Microcephaly, short stature, and limb abnormalities. Identifiers: Orphanet 572773, MedGen C4539873, MONDO:0060533, OMIM 617604.

Submission:

Neuberg Centre For Genomic Medicine, NCGM
Classification: Likely pathogenic for Microcephaly, short stature, and limb abnormalities. Review status: criteria provided, single submitter. Criteria: ACMG Guidelines, 2015. Collection method: clinical testing. Allele origin: germline. Inheritance: Autosomal recessive inheritance. Affected: yes.
Comment: The frameshift variant c.1342delp.Met448CysfsTer7 in DONSON gene has not been reported previously as a pathogenic variant nor as a benign variant, to our knowledge. The variant is novel not in any individuals in gnomAD Exomes and is novel not in any individuals in 1000 Genomes. This variant causes a frameshift starting with codon Methionine 448, changes this amino acid to Cysteine residue, and creates a premature Stop codon at position 7 of the new reading frame, denoted p.Met448CysfsTer7.This variant is predicted to cause loss of normal protein function through protein truncation. Loss of function variants have been previously reported to be disease causing Reynolds JJ, et al., 2017. For these reasons, this variant has been classified as Likely Pathogenic.